The following is an entry in ClinVar:

NC_000020.10:g.(?_31996313)_(32026852_?)dup

Gene: SNTA1 (syntrophin alpha 1; minus strand). Cytogenetic location: 20q11.21.
Variant type: Duplication.
Identifiers: ClinVar variation 2424625 (VCV002424625.4).

ClinVar aggregate classification (germline): Uncertain significance (1 of 4 stars; one submission).

Conditions:
Long QT syndrome (LQTS). Identifiers: MedGen C0023976, MeSH D008133, MONDO:0002442. Disease mechanism: loss of function. Inheritance: Various modes of inheritance.

Submission:

Labcorp Genetics (formerly Invitae), Labcorp
Classification: Uncertain significance for Long QT syndrome. Last evaluated: 2023-12-09. Review status: criteria provided, single submitter. Criteria: Invitae Variant Classification Sherloc (09022015). Collection method: clinical testing. Allele origin: germline.
Comment: This variant results in a copy number gain of the genomic region encompassing exon(s) 2-8 of the SNTA1 gene. This region includes the termination codon of the gene. This copy number gain extends beyond the assayed region for this gene and therefore may encompass additional genes. As the precise location of this event is unknown, it may be in tandem or it may be located elsewhere in the genome. This variant has not been reported in the literature in individuals affected with SNTA1-related conditions. Experimental studies and prediction algorithms are not available or were not evaluated, and the functional significance of this variant is currently unknown. In summary, the available evidence is currently insufficient to determine the role of this variant in disease. Therefore, it has been classified as a Variant of Uncertain Significance.